The following is an entry in ClinVar:

ClinVar aggregate classification (germline): Conflicting classifications of pathogenicity. Review status: criteria provided, conflicting classifications (1 of 4 stars). 3 submissions from 3 submitters: Uncertain significance (1); Likely benign (2). Last evaluated 2025-03-31.

Conditions:
Peroxisome biogenesis disorder 5A (Zellweger) (PBD5A). Identifiers: Orphanet 912, MedGen C3553940, MONDO:0013932, OMIM 614866.

Allele frequency attached by ClinVar (database versions not stated): ExAC 0.00002; gnomAD 0.00002 and 0.00003; TOPMed 0.00003; gnomAD exomes 0.00004; 1000 Genomes Project 30x 0.00016; 1000 Genomes Project 0.00020.
gnomAD v4.1: 25 of 1,614,044 alleles (0.0015%); highest among the groups gnomAD compares: East Asian, 0.029%; no homozygotes.

Submissions (3):

Labcorp Genetics (formerly Invitae), Labcorp
Classification: Likely benign for Peroxisome biogenesis disorder 5A (Zellweger). Last evaluated: 2025-03-31. Review status: criteria provided, single submitter. Criteria: Invitae Variant Classification Sherloc (09022015). Collection method: clinical testing. Allele origin: germline.

CeGaT Center for Human Genetics Tuebingen
Classification: Likely benign. Last evaluated: 2022-04-01. Review status: criteria provided, single submitter. Criteria: CeGaT Center For Human Genetics Tuebingen Variant Classification Criteria Version 2. Collection method: clinical testing. Allele origin: germline. Affected: yes. Observed: 1 variant allele.
Comment: PEX2: BP4, BP7

Eurofins Ntd Llc (ga)
Classification: Uncertain significance. Last evaluated: 2017-12-28. Review status: criteria provided, single submitter. Criteria: EGL Classification Definitions 2015. Collection method: clinical testing. Allele origin: germline. Observed: 1 variant allele, 1 heterozygote.

NM_000318.3(PEX2):c.174G>A (p.Ala58=)

Gene: PEX2 (peroxisomal biogenesis factor 2; minus strand). Cytogenetic location: 8q21.13.
Variant type: single nucleotide variant.
Coding change: c.174G>A on transcript NM_000318.3 (MANE Select); coding-DNA position 174, G replaced by A.
Protein change: p.Ala58=; no amino-acid change (alanine 58 retained).
Molecular consequence: synonymous variant.
Genome position (GRCh38, 1-based): chr8:76,984,005, C>T on the plus strand (G>A on the coding strand, the complement: PEX2 is on the minus strand). VCF-style: chr8-76984005-C-T. GRCh37 (hg19) VCF-style: chr8-77896241-C-T.
Other names: c.174G>A, p.Ala58= (NM_001079867.2, NM_001172086.2, NM_001172087.2).
Identifiers: ClinVar variation 595623 (VCV000595623.37), dbSNP rs150987080, ClinGen allele CA4788759.